The following is an entry in ClinVar:

ClinVar aggregate classification (germline): Likely benign (1 of 4 stars; one submission).

Allele frequency attached by ClinVar (database versions not stated): gnomAD exomes 0.00019.
gnomAD v4.1: 281 of 1,474,952 alleles (0.019%); highest among the groups gnomAD compares: Admixed American, 0.029%; no homozygotes.

Submission:

CeGaT Center for Human Genetics Tuebingen
Classification: Likely benign. Last evaluated: 2026-07-01. Review status: criteria provided, single submitter. Criteria: CeGaT Center For Human Genetics Tuebingen Variant Classification Criteria Version 2. Collection method: clinical testing. Allele origin: germline. Affected: yes. Observed: 2 variant alleles.
Comment: MAPT: BP4, BP7

NM_001377265.1(MAPT):c.444C>T (p.Thr148=)

Gene: MAPT (microtubule associated protein tau). Cytogenetic location: 17q21.31.
Variant type: single nucleotide variant.
Coding change: c.444C>T on transcript NM_001377265.1 (MANE Select); coding-DNA position 444, C replaced by T.
Protein change: p.Thr148=; no amino-acid change (threonine 148 retained).
Molecular consequence: synonymous variant. On other transcripts: intron variant (10).
Genome position (GRCh38, 1-based): chr17:45,983,023, C>T. VCF-style: chr17-45983023-C-T. GRCh37 (hg19) VCF-style: chr17-44060389-C-T.
Other names: c.444C>T, p.Thr148= (NM_001377266.1); c.200-4017C>T (NM_001377268.1, NM_016834.5, NM_016841.5); c.374-155C>T (NM_001123066.4, NM_016835.5); c.374-4017C>T (NM_005910.6, NM_001203252.2); c.287-4017C>T (NM_001123067.4, NM_001203251.2, NM_001377267.1).
Identifiers: ClinVar variation 2647852 (VCV002647852.24), dbSNP rs953427852, ClinGen allele CA291102490.
Genomic context (GRCh38, chr17:45,983,023, plus strand): 5'-CTCTGGGGTCTCTGGGCCGTGCCTCGGGGAGAAAGAGCCAGAAGCTCCCGTCCCGCTGAC[C>T]GCGAGCCTTCCTCAGCACCGTCCCGTTTGCCCAGCGCCTCCTCCAACAGGAGGCCCTCAG-3'
Protein context (NP_001364194.1, residues 138-158): EKEPEAPVPL[Thr148=]ASLPQHRPVC